The following is an entry in ClinVar:

NM_000548.5(TSC2):c.153A>T (p.Glu51Asp)

Gene: TSC2 (TSC complex subunit 2; plus strand). Cytogenetic location: 16p13.3.
Variant type: single nucleotide variant.
Coding change: c.153A>T on transcript NM_000548.5 (MANE Select); coding-DNA position 153, A replaced by T.
Protein change: p.Glu51Asp; replaces glutamic acid 51 with aspartic acid.
Molecular consequence: missense variant. On other transcripts: 5 prime UTR variant (1).
Genome position (GRCh38, 1-based): chr16:2,050,414, A>T. VCF-style: chr16-2050414-A-T. GRCh37 (hg19) VCF-style: chr16-2100415-A-T.
Other names: c.153A>T, p.Glu51Asp (NM_001370405.1, NM_021055.3, NM_001077183.3 and 4 more transcripts); c.6A>T, p.Glu2Asp (NM_001318829.2); c.-74A>T (NM_001318831.2); c.186A>T, p.Glu62Asp (NM_001318832.2); short protein forms E51D, E2D, E62D.
Identifiers: ClinVar variation 819437 (VCV000819437.15), dbSNP rs746366461, ClinGen allele CA031035.

ClinVar aggregate classification (germline): Conflicting classifications of pathogenicity. Review status: criteria provided, conflicting classifications (1 of 4 stars). 4 submissions from 4 submitters: Uncertain significance (3); Benign (1). Last evaluated 2025-12-08.

Conditions:
Isolated focal cortical dysplasia type II (FCORD2). Also called: Focal cortical dysplasia type II; CORTICAL DYSPLASIA OF TAYLOR. Identifiers: Orphanet 268994, MedGen C1846385, MONDO:0011818, OMIM 607341, HP:0032051.
Tuberous sclerosis 2 (TSC2). Identifiers: Orphanet 805, MedGen C1860707, MONDO:0013199, OMIM 613254.
Hereditary cancer-predisposing syndrome. Also called: Hereditary Cancer Syndrome; Neoplastic Syndromes, Hereditary; Hereditary neoplastic syndrome; Tumor predisposition. Identifiers: Orphanet 140162, MedGen C0027672, MeSH D009386, MONDO:0015356.

Allele frequency attached by ClinVar (database versions not stated): gnomAD exomes below 0.00001; ExAC 0.00001.
gnomAD v4.1: 2 of 1,613,894 alleles (0.00012%); highest among the groups gnomAD compares: Non-Finnish European, 0.00017%; no homozygotes.

Submissions (4):

Labcorp Genetics (formerly Invitae), Labcorp
Classification: Benign for Tuberous sclerosis 2. Last evaluated: 2025-12-08. Review status: criteria provided, single submitter. Criteria: Invitae Variant Classification Sherloc (09022015). Collection method: clinical testing. Allele origin: germline.

Ambry Genetics
Classification: Uncertain significance for Hereditary cancer-predisposing syndrome. Last evaluated: 2024-06-27. Review status: criteria provided, single submitter. Criteria: Ambry Variant Classification Scheme 2023. Collection method: clinical testing. Allele origin: germline.
Comment: The p.E51D variant (also known as c.153A>T), located in coding exon 2 of the TSC2 gene, results from an A to T substitution at nucleotide position 153. The glutamic acid at codon 51 is replaced by aspartic acid, an amino acid with highly similar properties. This amino acid position is well conserved in available vertebrate species. In addition, the in silico prediction for this alteration is inconclusive. Based on the available evidence, the clinical significance of this variant remains unclear.

Baylor Genetics
Classification: Uncertain significance for Isolated focal cortical dysplasia type II. Last evaluated: 2023-07-16. Review status: criteria provided, single submitter. Criteria: ACMG Guidelines, 2015. Collection method: clinical testing. Allele origin: unknown.

Sema4
Classification: Uncertain significance for Hereditary cancer-predisposing syndrome. Last evaluated: 2021-06-27. Review status: criteria provided, single submitter. Criteria: Sema4 Curation Guidelines. Collection method: curation. Allele origin: germline.
Comment: The TSC2 c.153A>T (p.E51D) variant has not been reported in the literature to our knowledge. It was observed in 1/113460 chromosomes in the Non-Finnish European subpopulation in the large and broad cohorts of the Genome Aggregation Database (PMID: 32461654). The variant has been reported in ClinVar (Variation ID: 819437). In silico tools suggest the impact of the variant on protein function is inconclusive, though these predictions have not been confirmed by functional studies. The evidence is insufficient to meet ACMG/AMP criteria for classifying the variant as benign or pathogenic. Thus, the clinical significance of this variant is currently uncertain.